The following is an entry in ClinVar:

NM_005589.4(ALDH6A1):c.*599C>G

Genes: ALDH6A1 (aldehyde dehydrogenase 6 family member A1; minus strand), BBOF1 (basal body orientation factor 1; plus strand). Cytogenetic location: 14q24.3.
Variant type: single nucleotide variant.
Coding change: c.*599C>G on transcript NM_005589.4 (MANE Select); 599 bases downstream of the stop codon, C replaced by G.
Molecular consequence: 3 prime UTR variant. On other transcripts: intron variant (1).
Genome position (GRCh38, 1-based): chr14:74,060,043, G>C on the plus strand (C>G on the coding strand, the complement: ALDH6A1 is on the minus strand). VCF-style: chr14-74060043-G-C. GRCh37 (hg19) VCF-style: chr14-74526746-G-C.
Other names: c.*599C>G (NM_001278593.2, NM_001278594.2); c.1578+2785G>C (NM_025057.3).
Identifiers: ClinVar variation 884942 (VCV000884942.4), dbSNP rs113031892, ClinGen allele CA263534543.
Genomic context (GRCh38, chr14:74,060,043, plus strand): 5'-TTGTGGGATAAAAGAGGGGCTAAAGAAAACTTTGCAGGAGGTCTCTCCCAGTGGCATTTA[G>C]GTAGCGCTATGTTTGAGGATCAACCAAAAGCGGTGAGTTATTTCTGTCCTGTTTCCCCAT-3'

ClinVar aggregate classification (germline): Likely benign (1 of 4 stars; one submission).

Conditions:
Methylmalonate semialdehyde dehydrogenase deficiency (MMSDHD). Also called: MMSDH DEFICIENCY. Identifiers: Orphanet 289307, MedGen C3279840, MONDO:0013579, OMIM 614105.

Allele frequency attached by ClinVar (database versions not stated): 1000 Genomes Project 0.00060; 1000 Genomes Project 30x 0.00078; gnomAD exomes 0.00181; TOPMed 0.00193.
gnomAD v4.1: 318 of 155,730 alleles (0.2%); highest among the groups gnomAD compares: Non-Finnish European, 0.36%; 1 homozygote.

Submission:

Illumina Laboratory Services, Illumina
Classification: Likely benign for Methylmalonate semialdehyde dehydrogenase deficiency. Last evaluated: 2018-01-13. Review status: criteria provided, single submitter. Criteria: ICSL Variant Classification Criteria 13 December 2019. Collection method: clinical testing. Allele origin: germline.
Comment: This variant was observed in the ICSL laboratory as part of a predisposition screen in an ostensibly healthy population. It had not been previously curated by ICSL or reported in the Human Gene Mutation Database (HGMD: prior to June 1st, 2018), and was therefore a candidate for classification through an automated scoring system. Utilizing variant allele frequency, disease prevalence and penetrance estimates, and inheritance mode, an automated score was calculated to assess if this variant is too frequent to cause the disease. Based on the score and internal cut-off values, a variant classified as likely benign is not then subjected to further curation. The score for this variant resulted in a classification of likely benign for this disease.